The following is an entry in ClinVar:

ClinVar aggregate classification (germline): Benign/Likely benign. Review status: criteria provided, multiple submitters, no conflicts (2 of 4 stars). 4 submissions from 4 submitters: Benign (2); Likely benign (2). Last evaluated 2026-01-28.

Conditions:
Congenital myasthenic syndrome 5. Identifiers: Orphanet 590, MedGen C1864233, MONDO:0011281, OMIM 603034.

Allele frequency attached by ClinVar (database versions not stated): gnomAD exomes 0.00142 and 0.00059; ExAC 0.00175; gnomAD 0.00595 and 0.00630; TOPMed 0.00659; 1000 Genomes Project 30x 0.00812; ESP Exome Variant Server 0.00684; 1000 Genomes Project 0.00719.
gnomAD v4.1: 1,781 of 1,614,170 alleles (0.11%); highest among the groups gnomAD compares: African/African-American, 2.2%; 20 homozygotes.

Submissions (4):

Labcorp Genetics (formerly Invitae), Labcorp
Classification: Benign for Congenital myasthenic syndrome 5. Last evaluated: 2026-01-28. Review status: criteria provided, single submitter. Criteria: Invitae Variant Classification Sherloc (09022015). Collection method: clinical testing. Allele origin: germline.

GeneDx
Classification: Likely benign. Last evaluated: 2021-10-05. Review status: criteria provided, single submitter. Criteria: GeneDx Variant Classification Process June 2021. Collection method: clinical testing. Allele origin: germline. Affected: yes.
Comment: See Variant Classification Assertion Criteria.

Illumina Laboratory Services, Illumina
Classification: Benign for Congenital myasthenic syndrome 5. Last evaluated: 2018-01-13. Review status: criteria provided, single submitter. Criteria: ICSL Variant Classification Criteria 13 December 2019. Collection method: clinical testing. Allele origin: germline.
Comment: This variant was observed in the ICSL laboratory as part of a predisposition screen in an ostensibly healthy population. It had not been previously curated by ICSL or reported in the Human Gene Mutation Database (HGMD: prior to June 1st, 2018), and was therefore a candidate for classification through an automated scoring system. Utilizing variant allele frequency, disease prevalence and penetrance estimates, and inheritance mode, an automated score was calculated to assess if this variant is too frequent to cause the disease. Based on the score and internal cut-off values, a variant classified as benign is not then subjected to further curation. The score for this variant resulted in a classification of benign for this disease.

PreventionGenetics, part of Exact Sciences
Classification: Likely benign. Review status: criteria provided, single submitter. Criteria: ACMG Guidelines, 2015. Collection method: clinical testing. Allele origin: germline.

NM_005677.4(COLQ):c.393+11C>T

Gene: COLQ (collagen like tail subunit of asymmetric acetylcholinesterase; minus strand). Cytogenetic location: 3p25.1.
Variant type: single nucleotide variant.
Coding change: c.393+11C>T on transcript NM_005677.4 (MANE Select); 11 bases into the intron after coding-DNA position 393, C replaced by T.
Molecular consequence: intron variant.
Genome position (GRCh38, 1-based): chr3:15,478,966, G>A on the plus strand (C>T on the coding strand, the complement: COLQ is on the minus strand). VCF-style: chr3-15478966-G-A. GRCh37 (hg19) VCF-style: chr3-15520473-G-A.
Other names: c.291+11C>T (NM_080539.4); c.363+11C>T (NM_080538.2).
Identifiers: ClinVar variation 259856 (VCV000259856.14), dbSNP rs909353, ClinGen allele CA2276199.